The following is an entry in ClinVar:

NM_001148.6(ANK2):c.7436A>G (p.Lys2479Arg)

Genes: ANK2 (ankyrin 2; plus strand), LOC126807137 (CDK7 strongly-dependent group 2 enhancer GRCh37_chr4:114276560-114277759; plus strand). Cytogenetic location: 4q26.
Variant type: single nucleotide variant.
Coding change: c.7436A>G on transcript NM_001148.6 (MANE Select); coding-DNA position 7436, A replaced by G.
Protein change: p.Lys2479Arg; replaces lysine 2479 with arginine.
Molecular consequence: missense variant. On other transcripts: intron variant (68).
Genome position (GRCh38, 1-based): chr4:113,356,054, A>G. VCF-style: chr4-113356054-A-G. GRCh37 (hg19) VCF-style: chr4-114277210-A-G.
Other names: c.7202A>G, p.Lys2401Arg (NM_001386142.1); c.3836A>G, p.Lys1279Arg (NM_001386166.1); c.7577A>G, p.Lys2526Arg (NM_001386174.1); c.7553A>G, p.Lys2518Arg (NM_001386175.1); c.4412-4769A>G (NM_001386186.2, NM_001386148.2); c.4214-4769A>G (NM_001354269.3); c.4292-4769A>G (NM_001386187.2); c.4253-4769A>G (NM_001386147.1); and 35 more; short protein forms K2479R, K1279R, K2401R, K2518R, K2526R.
Identifiers: ClinVar variation 191410 (VCV000191410.8), dbSNP rs201619005, ClinGen allele CA236561.
Genomic context (GRCh38, chr4:113,356,054, plus strand): 5'-CTCTGAAAGAATCCCCTTGCCGTGACTCTCTGGAAAGCAGCCCTGTTGAACCAAAGATGA[A>G]GGCTGGAATTTTTCCAAGTCACTTTCCTCTTCCTGCAGCTGTTGCCAAAACAGAACTCTT-3'
Protein context (NP_001139.3, residues 2469-2489): LESSPVEPKM[Lys2479Arg]AGIFPSHFPL

ClinVar aggregate classification (germline): Conflicting classifications of pathogenicity. Review status: criteria provided, conflicting classifications (1 of 4 stars). 4 submissions from 4 submitters: Uncertain significance (1); Likely benign (3). Last evaluated 2025-10-04.

Conditions:
Long QT syndrome (LQTS). Identifiers: MedGen C0023976, MeSH D008133, MONDO:0002442. Disease mechanism: loss of function. Inheritance: Various modes of inheritance.
Cardiovascular phenotype. Identifiers: MedGen CN230736.

Allele frequency attached by ClinVar (database versions not stated): gnomAD 0.00001; TOPMed 0.00001; gnomAD exomes 0.00005 and 0.00013; ExAC 0.00014; 1000 Genomes Project 30x 0.00031.
gnomAD v4.1: 82 of 1,614,058 alleles (0.0051%); highest among the groups gnomAD compares: South Asian, 0.069%; no homozygotes.

Submissions (4):

Labcorp Genetics (formerly Invitae), Labcorp
Classification: Likely benign for Long QT syndrome. Last evaluated: 2025-10-04. Review status: criteria provided, single submitter. Criteria: Invitae Variant Classification Sherloc (09022015). Collection method: clinical testing. Allele origin: germline.

Ambry Genetics
Classification: Likely benign for Cardiovascular phenotype. Last evaluated: 2022-03-10. Review status: criteria provided, single submitter. Criteria: Ambry Variant Classification Scheme 2023. Collection method: clinical testing. Allele origin: germline.

GeneDx
Classification: Likely benign. Last evaluated: 2018-03-05. Review status: criteria provided, single submitter. Criteria: GeneDx Variant Classification (06012015). Collection method: clinical testing. Allele origin: germline. Affected: yes.
Comment: This variant is considered likely benign or benign based on one or more of the following criteria: it is a conservative change, it occurs at a poorly conserved position in the protein, it is predicted to be benign by multiple in silico algorithms, and/or has population frequency not consistent with disease.

Biesecker Lab/Clinical Genomics Section, National Institutes of Health
Classification: Uncertain significance. Last evaluated: 2013-06-24. Review status: criteria provided, single submitter. Criteria: Ng et al. (Circ Cardiovasc Genet. 2013). Collection method: research. Allele origin: unknown. Observed: 1 variant allele. Study: ClinSeq.
Comment: The study set was not selected for affection status in relation to any cancer. Pathogenicity categories were based on literature curation. See Pubmed ID:23861362 for details.

Medical sequencing

Literature cited by the submitters: PubMed 23861362 (cited by Ambry Genetics); PubMed 33762593 (cited by Ambry Genetics).